The following is an entry in ClinVar:

NM_001830.4(CLCN4):c.944G>A (p.Arg315His)

Gene: CLCN4 (Cl-/H+ antiporter 4; plus strand). Cytogenetic location: Xp22.2.
Variant type: single nucleotide variant.
Coding change: c.944G>A on transcript NM_001830.4 (MANE Select); coding-DNA position 944, G replaced by A.
Protein change: p.Arg315His; replaces arginine 315 with histidine.
Molecular consequence: missense variant.
Genome position (GRCh38, 1-based): chrX:10,208,145, G>A. VCF-style: chrX-10208145-G-A. GRCh37 (hg19) VCF-style: chrX-10176185-G-A.
Other names: c.662G>A, p.Arg221His (NM_001256944.2); short protein forms R221H, R315H.
Identifiers: ClinVar variation 996971 (VCV000996971.35), dbSNP rs1374813094, ClinGen allele CA412037504.

ClinVar aggregate classification (germline): Conflicting classifications of pathogenicity. Review status: criteria provided, conflicting classifications (1 of 4 stars). 4 submissions from 4 submitters: Likely pathogenic (1); Uncertain significance (3). Last evaluated 2024-08-01.

Conditions:
Intellectual disability, X-linked 49 (MRXSRC). Also called: MENTAL RETARDATION, X-LINKED 15; MRX49; CLCN4-Related Neurodevelopmental Disorder; CLCN4-related X-linked intellectual disability syndrome; RAYNAUD-CLAES SYNDROME. Identifiers: Orphanet 485350, Orphanet 777, MedGen C0796221, MONDO:0010250, OMIM 300114.

Allele frequency attached by ClinVar (database versions not stated): gnomAD exomes below 0.00001.

Submissions (4):

Blueprint Genetics
Classification: Uncertain significance. Last evaluated: 2024-08-01. Review status: criteria provided, single submitter. Criteria: ACMG Guidelines, 2015. Collection method: clinical testing. Allele origin: germline.

Labcorp Genetics (formerly Invitae), Labcorp
Classification: Uncertain significance. Last evaluated: 2023-05-23. Review status: criteria provided, single submitter. Criteria: Invitae Variant Classification Sherloc (09022015). Collection method: clinical testing. Allele origin: germline.
Comment: In summary, the available evidence is currently insufficient to determine the role of this variant in disease. Therefore, it has been classified as a Variant of Uncertain Significance. Advanced modeling of protein sequence and biophysical properties (such as structural, functional, and spatial information, amino acid conservation, physicochemical variation, residue mobility, and thermodynamic stability) performed at Invitae indicates that this missense variant is not expected to disrupt CLCN4 protein function. ClinVar contains an entry for this variant (Variation ID: 996971). This variant has not been reported in the literature in individuals affected with CLCN4-related conditions. The frequency data for this variant in the population databases is considered unreliable, as metrics indicate poor data quality at this position in the gnomAD database. This sequence change replaces arginine, which is basic and polar, with histidine, which is basic and polar, at codon 315 of the CLCN4 protein (p.Arg315His).

Gene2Care/ Palmer Lab, University of New South Wales
Classification: Likely pathogenic for Intellectual disability, X-linked 49. Last evaluated: 2022-05-27. Review status: criteria provided, single submitter. Criteria: ACMG Guidelines, 2015. Collection method: clinical testing. Allele origin: germline. Affected: yes.

New York Genome Center
Classification: Uncertain significance for Intellectual disability, X-linked 49. Last evaluated: 2020-06-11. Review status: criteria provided, single submitter. Criteria: NYGC Assertion Criteria 2020. Collection method: clinical testing. Allele origin: maternal. Inheritance: X-linked inheritance. Observed: 1 heterozygote. Study: CSER-NYCKidSeq. Segregation with disease not observed.